The following is an entry in ClinVar:

NM_000051.4(ATM):c.8865del (p.Pro2956fs)

Genes: ATM (ATM serine/threonine kinase; plus strand), C11orf65 (chromosome 11 open reading frame 65; minus strand). Cytogenetic location: 11q22.3.
Variant type: Deletion.
Coding change: c.8865del on transcript NM_000051.4 (MANE Select); coding-DNA position 8865, one base deleted (T; older notation c.8865delT).
Protein change: p.Pro2956fs; shifts the reading frame from proline 2956.
Molecular consequence: frameshift variant. On other transcripts: intron variant (2).
Genome position (GRCh38, 1-based): chr11:108,365,096, T deleted. VCF-style (leftmost placement, unchanged base first): chr11-108365095-AT-A. GRCh37 (hg19) VCF-style: chr11-108235822-AT-A.
Other names: c.8865del, p.Pro2956fs (NM_001351834.2); c.640+20824del (NM_001330368.2); c.694+20824del (NM_001351110.2); short protein forms P2956fs.
Identifiers: ClinVar variation 822784 (VCV000822784.13), dbSNP rs1591384391, ClinGen allele CA915947675.
Genomic context (GRCh38, chr11:108,365,095, plus strand): 5'-ATTAAAATGTACATTGTTCTTTTAATACATATGTTCTCTCTGTTTAGGTCCTTCTATATG[AT>A]CCACTCTTTGACTGGACCATGAATCCTTTGAAAGCTTTGTATTTACAGCAGAGGCCGGAA-3'

ClinVar aggregate classification (germline): Pathogenic. Review status: criteria provided, multiple submitters, no conflicts (2 of 4 stars). 3 submissions from 3 submitters: Pathogenic (3). Last evaluated 2024-08-08.

Conditions:
Hereditary cancer-predisposing syndrome. Also called: Tumor predisposition; Neoplastic Syndromes, Hereditary; Hereditary Cancer Syndrome; Hereditary neoplastic syndrome. Identifiers: Orphanet 140162, MedGen C0027672, MeSH D009386, MONDO:0015356.
Familial cancer of breast. Also called: Hereditary breast cancer; BREAST CANCER, FAMILIAL; hereditary breast carcinoma. Identifiers: Orphanet 227535, MedGen C0346153, MONDO:0016419, OMIM 114480. Disease mechanism: loss of function.
Ataxia-telangiectasia syndrome (AT). Also called: ATAXIA-TELANGIECTASIA, COMPLEMENTATION GROUP A; ATAXIA-TELANGIECTASIA, FRESNO VARIANT; Ataxia-telangiectasia; Ataxia-telangiectasia, complementation group D; AT, COMPLEMENTATION GROUP C; Ataxia-telangiectasia, complementation group E. Identifiers: Orphanet 100, MedGen C0004135, MONDO:0008840, OMIM 208900.

Submissions (3):

Labcorp Genetics (formerly Invitae), Labcorp
Classification: Pathogenic for Ataxia-telangiectasia syndrome. Last evaluated: 2024-08-08. Review status: criteria provided, single submitter. Criteria: Invitae Variant Classification Sherloc (09022015). Collection method: clinical testing. Allele origin: germline.
Comment: This sequence change creates a premature translational stop signal (p.Pro2956Hisfs*7) in the ATM gene. It is expected to result in an absent or disrupted protein product. Loss-of-function variants in ATM are known to be pathogenic (PMID: 23807571, 25614872). This variant is not present in population databases (gnomAD no frequency). This variant has not been reported in the literature in individuals affected with ATM-related conditions. ClinVar contains an entry for this variant (Variation ID: 822784). For these reasons, this variant has been classified as Pathogenic.

Ambry Genetics
Classification: Pathogenic for Hereditary cancer-predisposing syndrome. Last evaluated: 2024-05-31. Review status: criteria provided, single submitter. Criteria: Ambry Variant Classification Scheme 2023. Collection method: clinical testing. Allele origin: germline.
Comment: The c.8865delT pathogenic mutation, located in coding exon 61 of the ATM gene, results from a deletion of one nucleotide at nucleotide position 8865, causing a translational frameshift with a predicted alternate stop codon (p.P2956Hfs*7). This variant is considered to be rare based on population cohorts in the Genome Aggregation Database (gnomAD). This alteration is expected to result in loss of function by premature protein truncation or nonsense-mediated mRNA decay. As such, this alteration is interpreted as a disease-causing mutation.

Myriad Genetics, Inc.
Classification: Pathogenic for Familial cancer of breast. Last evaluated: 2024-04-23. Review status: criteria provided, single submitter. Criteria: Myriad Autosomal Dominant, Autosomal Recessive and X-Linked Classification Criteria (2023). Collection method: clinical testing. Allele origin: unknown.
Comment: This variant is considered pathogenic. This variant creates a frameshift predicted to result in premature protein truncation.

Literature cited by the submitters: PubMed 23807571 (cited by Labcorp Genetics (formerly Invitae), Labcorp); PubMed 25614872 (cited by Labcorp Genetics (formerly Invitae), Labcorp).